The following is an entry in ClinVar:

NM_018474.6(KIZ):c.1988A>G (p.His663Arg)

Gene: KIZ (kizuna centrosomal protein; plus strand). Cytogenetic location: 20p11.23.
Variant type: single nucleotide variant.
Coding change: c.1988A>G on transcript NM_018474.6 (MANE Select); coding-DNA position 1988, A replaced by G.
Protein change: p.His663Arg; replaces histidine 663 with arginine.
Molecular consequence: missense variant.
Genome position (GRCh38, 1-based): chr20:21,246,542, A>G. VCF-style: chr20-21246542-A-G. GRCh37 (hg19) VCF-style: chr20-21227180-A-G.
Other names: c.1679A>G, p.His560Arg (NM_001163022.3); c.1589A>G, p.His530Arg (NM_001163023.3); c.1841A>G, p.His614Arg (NM_001276389.2); c.1934A>G, p.His645Arg (NM_001352434.2); c.1625A>G, p.His542Arg (NM_001352435.2); c.1646A>G, p.His549Arg (NM_001352436.2); short protein forms H645R, H663R, H614R, H530R, H542R, H549R, H560R.
Identifiers: ClinVar variation 1432771 (VCV001432771.3), dbSNP rs771561721, ClinGen allele CA9785049.

ClinVar aggregate classification (germline): Uncertain significance (1 of 4 stars; one submission).

Allele frequency attached by ClinVar (database versions not stated): ExAC 0.00001; gnomAD exomes 0.00001 and 0.00002.
gnomAD v4.1: 23 of 1,610,514 alleles (0.0014%); highest among the groups gnomAD compares: Admixed American, 0.0033%; no homozygotes.

Submission:

Labcorp Genetics (formerly Invitae), Labcorp
Classification: Uncertain significance. Last evaluated: 2022-05-21. Review status: criteria provided, single submitter. Criteria: Invitae Variant Classification Sherloc (09022015). Collection method: clinical testing. Allele origin: germline.
Comment: This sequence change replaces histidine, which is basic and polar, with arginine, which is basic and polar, at codon 663 of the KIZ protein (p.His663Arg). This variant is present in population databases (rs771561721, gnomAD 0.007%). This variant has not been reported in the literature in individuals affected with KIZ-related conditions. Experimental studies and prediction algorithms are not available or were not evaluated, and the functional significance of this variant is currently unknown. In summary, the available evidence is currently insufficient to determine the role of this variant in disease. Therefore, it has been classified as a Variant of Uncertain Significance.